The following is an entry in ClinVar:

ClinVar aggregate classification (germline): Conflicting classifications of pathogenicity. Review status: criteria provided, conflicting classifications (1 of 4 stars). 2 submissions from 2 submitters: Uncertain significance (1); Likely benign (1). Last evaluated 2024-11-11.

Conditions:
BAP1-related tumor predisposition syndrome (TPDS1). Also called: TUMOR PREDISPOSITION SYNDROME 1; COMMON Syndrome; Tumor susceptibility linked to germline BAP1 mutations; BAP1 tumor predisposition syndrome. Identifiers: Orphanet 289539, MedGen C3280492, MONDO:0013692, OMIM 614327.
Hereditary cancer-predisposing syndrome. Also called: Hereditary neoplastic syndrome; Neoplastic Syndromes, Hereditary; Tumor predisposition; Hereditary Cancer Syndrome. Identifiers: Orphanet 140162, MedGen C0027672, MeSH D009386, MONDO:0015356.

gnomAD v4.1: 5 of 1,614,142 alleles (0.00031%); highest among the groups gnomAD compares: Non-Finnish European, 0.00042%; no homozygotes.

Submissions (2):

Labcorp Genetics (formerly Invitae), Labcorp
Classification: Uncertain significance for BAP1-related tumor predisposition syndrome. Last evaluated: 2024-11-11. Review status: criteria provided, single submitter. Criteria: Invitae Variant Classification Sherloc (09022015). Collection method: clinical testing. Allele origin: germline.
Comment: This sequence change replaces histidine, which is basic and polar, with glutamine, which is neutral and polar, at codon 347 of the BAP1 protein (p.His347Gln). This variant is not present in population databases (gnomAD no frequency). This variant has not been reported in the literature in individuals affected with BAP1-related conditions. ClinVar contains an entry for this variant (Variation ID: 941276). Invitae Evidence Modeling of protein sequence and biophysical properties (such as structural, functional, and spatial information, amino acid conservation, physicochemical variation, residue mobility, and thermodynamic stability) indicates that this missense variant is not expected to disrupt BAP1 protein function with a negative predictive value of 80%. In summary, the available evidence is currently insufficient to determine the role of this variant in disease. Therefore, it has been classified as a Variant of Uncertain Significance.

Ambry Genetics
Classification: Likely benign for Hereditary cancer-predisposing syndrome. Last evaluated: 2024-09-13. Review status: criteria provided, single submitter. Criteria: Ambry Variant Classification Scheme 2023. Collection method: clinical testing. Allele origin: germline.

NM_004656.4(BAP1):c.1041C>G (p.His347Gln)

Gene: BAP1 (BRCA1 associated deubiquitinase 1; minus strand). Cytogenetic location: 3p21.1.
Variant type: single nucleotide variant.
Coding change: c.1041C>G on transcript NM_004656.4 (MANE Select); coding-DNA position 1041, C replaced by G.
Protein change: p.His347Gln; replaces histidine 347 with glutamine.
Molecular consequence: missense variant.
Genome position (GRCh38, 1-based): chr3:52,405,185, G>C on the plus strand (C>G on the coding strand, the complement: BAP1 is on the minus strand). VCF-style: chr3-52405185-G-C. GRCh37 (hg19) VCF-style: chr3-52439201-G-C.
Other names: short protein forms H347Q.
Identifiers: ClinVar variation 941276 (VCV000941276.10), dbSNP rs1553645289, ClinGen allele CA353105800.